The following is an entry in ClinVar:

ClinVar aggregate classification (germline): Uncertain significance. Review status: criteria provided, multiple submitters, no conflicts (2 of 4 stars). 2 submissions from 2 submitters: Uncertain significance (2). Last evaluated 2026-01-20.

Conditions:
Bloom syndrome (BLM). Also called: Bloom-Torre-Machacek syndrome. Identifiers: Orphanet 125, MedGen C0005859, MONDO:0008876, OMIM 210900.
Hereditary cancer-predisposing syndrome. Also called: Hereditary neoplastic syndrome; Neoplastic Syndromes, Hereditary; Tumor predisposition; Hereditary Cancer Syndrome. Identifiers: Orphanet 140162, MedGen C0027672, MeSH D009386, MONDO:0015356.

Allele frequency attached by ClinVar (database versions not stated): TOPMed below 0.00001; gnomAD 0.00001.

Submissions (2):

Labcorp Genetics (formerly Invitae), Labcorp
Classification: Uncertain significance for Bloom syndrome. Last evaluated: 2026-01-20. Review status: criteria provided, single submitter. Criteria: Invitae Variant Classification Sherloc (09022015). Collection method: clinical testing. Allele origin: germline.
Comment: This sequence change replaces methionine, which is neutral and non-polar, with isoleucine, which is neutral and non-polar, at codon 1339 of the BLM protein (p.Met1339Ile). This variant is present in population databases (no rsID available, gnomAD 0.01%). This variant has not been reported in the literature in individuals affected with BLM-related conditions. ClinVar contains an entry for this variant (Variation ID: 835346). Invitae Evidence Modeling of protein sequence and biophysical properties (such as structural, functional, and spatial information, amino acid conservation, physicochemical variation, residue mobility, and thermodynamic stability) indicates that this missense variant is not expected to disrupt BLM protein function with a negative predictive value of 80%. In summary, the available evidence is currently insufficient to determine the role of this variant in disease. Therefore, it has been classified as a Variant of Uncertain Significance.

Ambry Genetics
Classification: Uncertain significance for Hereditary cancer-predisposing syndrome. Last evaluated: 2023-12-22. Review status: criteria provided, single submitter. Criteria: Ambry Variant Classification Scheme 2023. Collection method: clinical testing. Allele origin: germline.
Comment: The p.M1339I variant (also known as c.4017G>C), located in coding exon 20 of the BLM gene, results from a G to C substitution at nucleotide position 4017. The methionine at codon 1339 is replaced by isoleucine, an amino acid with highly similar properties. This amino acid position is poorly conserved in available vertebrate species. In addition, this alteration is predicted to be tolerated by in silico analysis. Since supporting evidence is limited at this time, the clinical significance of this alteration remains unclear.

NM_000057.4(BLM):c.4017G>C (p.Met1339Ile)

Gene: BLM (BLM RecQ like helicase; plus strand). Cytogenetic location: 15q26.1.
Variant type: single nucleotide variant.
Coding change: c.4017G>C on transcript NM_000057.4 (MANE Select); coding-DNA position 4017, G replaced by C.
Protein change: p.Met1339Ile; replaces methionine 1339 with isoleucine.
Molecular consequence: missense variant.
Genome position (GRCh38, 1-based): chr15:90,811,347, G>C. VCF-style: chr15-90811347-G-C. GRCh37 (hg19) VCF-style: chr15-91354577-G-C.
Other names: c.4017G>C, p.Met1339Ile (NM_001287246.2); c.3624G>C, p.Met1208Ile (NM_001287247.2); c.2892G>C, p.Met964Ile (NM_001287248.2); short protein forms M1208I, M1339I, M964I.
Identifiers: ClinVar variation 835346 (VCV000835346.9), dbSNP rs1247422719, ClinGen allele CA393851282.
Genomic context (GRCh38, chr15:90,811,347, plus strand): 5'-ACCCGTATCTTCCCACTACTTTGCAAGTAAAACCAGAAATGAAAGGAAGAGGAAAAAGAT[G>C]CCAGCCTCCCAAAGGTCTAAGAGGAGAAAAACTGCTTCCAGTGGTTCCAAGGCAAAGGGG-3'
Protein context (NP_000048.1, residues 1329-1349): KTRNERKRKK[Met1339Ile]PASQRSKRRK